The following is an entry in ClinVar:

ClinVar aggregate classification (germline): Uncertain significance. Review status: criteria provided, multiple submitters, no conflicts (2 of 4 stars). 2 submissions from 2 submitters: Uncertain significance (2). Last evaluated 2025-08-30.

Conditions:
Tuberous sclerosis 2 (TSC2). Identifiers: Orphanet 805, MedGen C1860707, MONDO:0013199, OMIM 613254.
Tuberous sclerosis syndrome (TSC). Also called: Tuberous Sclerosis Complex; Tuberous sclerosis. Identifiers: Orphanet 805, MedGen C0041341, MONDO:0001734.

gnomAD v4.1: 1 of 1,613,278 alleles (0.000062%); highest among the groups gnomAD compares: African/African-American, 0.0013%; no homozygotes.

Submissions (2):

Color Diagnostics, LLC DBA Color Health
Classification: Uncertain significance for Tuberous sclerosis syndrome. Last evaluated: 2025-08-30. Review status: criteria provided, single submitter. Criteria: ACMG Guidelines, 2015. Collection method: clinical testing. Allele origin: germline.
Comment: This missense variant replaces arginine with glutamine at codon 936 of the TSC2 protein. Computational prediction suggests that this variant may have deleterious impact on protein structure and function. To our knowledge, functional studies have not been reported for this variant. This variant has not been reported in individuals affected with TSC2-related disorders in the literature. This variant has not been identified in the general population by the Genome Aggregation Database (gnomAD). The available evidence is insufficient to determine the role of this variant in disease conclusively. Therefore, this variant is classified as a Variant of Uncertain Significance.

Labcorp Genetics (formerly Invitae), Labcorp
Classification: Uncertain significance for Tuberous sclerosis 2. Last evaluated: 2025-06-15. Review status: criteria provided, single submitter. Criteria: Invitae Variant Classification Sherloc (09022015). Collection method: clinical testing. Allele origin: germline.
Comment: This sequence change replaces arginine, which is basic and polar, with glutamine, which is neutral and polar, at codon 936 of the TSC2 protein (p.Arg936Gln). This variant is not present in population databases (gnomAD no frequency). This variant has not been reported in the literature in individuals affected with TSC2-related conditions. Invitae Evidence Modeling of protein sequence and biophysical properties (such as structural, functional, and spatial information, amino acid conservation, physicochemical variation, residue mobility, and thermodynamic stability) indicates that this missense variant is not expected to disrupt TSC2 protein function with a negative predictive value of 95%. In summary, the available evidence is currently insufficient to determine the role of this variant in disease. Therefore, it has been classified as a Variant of Uncertain Significance.

NM_000548.5(TSC2):c.2807G>A (p.Arg936Gln)

Gene: TSC2 (TSC complex subunit 2; plus strand). Cytogenetic location: 16p13.3.
Variant type: single nucleotide variant.
Coding change: c.2807G>A on transcript NM_000548.5 (MANE Select); coding-DNA position 2807, G replaced by A.
Protein change: p.Arg936Gln; replaces arginine 936 with glutamine.
Molecular consequence: missense variant. On other transcripts: non-coding transcript variant (5).
Genome position (GRCh38, 1-based): chr16:2,076,555, G>A. VCF-style: chr16-2076555-G-A. GRCh37 (hg19) VCF-style: chr16-2126556-G-A.
Other names: c.1463G>A, p.Arg488Gln (NM_001406693.1, NM_001406694.1, NM_001406695.1 and 6 more transcripts); c.1205G>A, p.Arg402Gln (NM_001406698.1); c.2807G>A, p.Arg936Gln (NM_021055.3, NM_001077183.3, NM_001114382.3 and 6 more transcripts); c.2345G>A, p.Arg782Gln (NM_001406681.1); c.2207G>A, p.Arg736Gln (NM_001406682.1, NM_001406683.1, NM_001406684.1 and 6 more transcripts); c.2696G>A, p.Arg899Gln (NM_001318827.2, NM_001406670.1, NM_001406678.1); c.2660G>A, p.Arg887Gln (NM_001318829.2, NM_001406675.1, NM_001406676.1 and 1 more transcripts); c.2840G>A, p.Arg947Gln (NM_001318832.2); and 3 more; short protein forms R899Q, R917Q, R932Q, R936Q, R402Q, R488Q, R887Q, R966Q.
Identifiers: ClinVar variation 4734249 (VCV004734249.1).